The following is an entry in ClinVar:

ClinVar aggregate classification (germline): Likely pathogenic (1 of 4 stars; one submission).

Conditions:
Hereditary hemochromatosis (HFE). Identifiers: MedGen C0392514, MONDO:0006507. Disease mechanism: loss of function.

Allele frequency attached by ClinVar (database versions not stated): gnomAD exomes below 0.00001.
gnomAD v4.1: 2 of 1,601,124 alleles (0.00012%); highest among the groups gnomAD compares: Non-Finnish European, 0.00017%; no homozygotes.

Submission:

Labcorp Genetics (formerly Invitae), Labcorp
Classification: Likely pathogenic for Hereditary hemochromatosis. Last evaluated: 2021-10-09. Review status: criteria provided, single submitter. Criteria: Invitae Variant Classification Sherloc (09022015). Collection method: clinical testing. Allele origin: germline.
Comment: This variant is not present in population databases (ExAC no frequency). This variant has not been reported in the literature in individuals affected with TFR2-related conditions. Algorithms developed to predict the effect of sequence changes on RNA splicing suggest that this variant may disrupt the consensus splice site. In summary, the currently available evidence indicates that the variant is pathogenic, but additional data are needed to prove that conclusively. Therefore, this variant has been classified as Likely Pathogenic. This sequence change affects an acceptor splice site in intron 3 of the TFR2 gene. It is expected to disrupt RNA splicing. Variants that disrupt the donor or acceptor splice site typically lead to a loss of protein function (PMID: 16199547), and loss-of-function variants in TFR2 are known to be pathogenic (PMID: 23600741, 26029709).

Literature cited by the submitters: PubMed 16199547; PubMed 23600741; PubMed 26029709.

NM_003227.4(TFR2):c.474-1G>A

Gene: TFR2 (transferrin receptor 2; minus strand). Cytogenetic location: 7q22.1.
Variant type: single nucleotide variant.
Coding change: c.474-1G>A on transcript NM_003227.4 (MANE Select); the canonical splice acceptor site of the intron before coding-DNA position 474, G replaced by A.
Molecular consequence: splice acceptor variant. On other transcripts: 5 prime UTR variant (1).
Genome position (GRCh38, 1-based): chr7:100,633,557, C>T on the plus strand (G>A on the coding strand, the complement: TFR2 is on the minus strand). VCF-style: chr7-100633557-C-T. GRCh37 (hg19) VCF-style: chr7-100231180-C-T.
Other names: c.-41G>A (NM_001206855.3).
Identifiers: ClinVar variation 1485715 (VCV001485715.6), dbSNP rs2131320942, ClinGen allele CA368535130.